The following is an entry in ClinVar:

ClinVar aggregate classification (germline): Uncertain significance (1 of 4 stars; one submission).

Conditions:
NCOA1-related disorder. Also called: NCOA1-related condition.

Submission:

PreventionGenetics, part of Exact Sciences
Classification: Uncertain significance for NCOA1-related condition. Last evaluated: 2026-09-23. Review status: criteria provided, single submitter. Criteria: ACMG Guidelines, 2015. Collection method: clinical testing. Allele origin: germline.
Comment: The NCOA1 c.1793C>G variant is predicted to result in the amino acid substitution p.Ser598Cys. To our knowledge, this variant has not been reported in the literature or in a large population database (gnomAD), indicating this variant is rare. At this time, the clinical significance of this variant is uncertain due to the absence of conclusive functional and genetic evidence.

NM_003743.5(NCOA1):c.1793C>G (p.Ser598Cys)

Gene: NCOA1 (nuclear receptor coactivator 1; plus strand). Cytogenetic location: 2p23.3.
Variant type: single nucleotide variant.
Coding change: c.1793C>G on transcript NM_003743.5 (MANE Select); coding-DNA position 1793, C replaced by G.
Protein change: p.Ser598Cys; replaces serine 598 with cysteine.
Molecular consequence: missense variant.
Genome position (GRCh38, 1-based): chr2:24,707,263, C>G. VCF-style: chr2-24707263-C-G. GRCh37 (hg19) VCF-style: chr2-24930132-C-G.
Other names: c.1793C>G, p.Ser598Cys (NM_001362950.1, NM_001362952.1, NM_001362954.1 and 3 more transcripts); short protein forms S598C.
Identifiers: ClinVar variation 4983162 (VCV004983162.1).